The following is an entry in ClinVar:

NM_001611.5(ACP5):c.971G>A (p.Arg324Lys)

Gene: ACP5 (acid phosphatase 5, tartrate resistant; minus strand). Cytogenetic location: 19p13.2.
Variant type: single nucleotide variant.
Coding change: c.971G>A on transcript NM_001611.5 (MANE Select); coding-DNA position 971, G replaced by A.
Protein change: p.Arg324Lys; replaces arginine 324 with lysine.
Molecular consequence: missense variant.
Genome position (GRCh38, 1-based): chr19:11,575,017, C>T on the plus strand (G>A on the coding strand, the complement: ACP5 is on the minus strand). VCF-style: chr19-11575017-C-T. GRCh37 (hg19) VCF-style: chr19-11685832-C-T.
Other names: c.971G>A, p.Arg324Lys (LRG_1218t1, NM_001111034.3, NM_001111035.3 and 2 more transcripts); short protein forms R324K.
Identifiers: ClinVar variation 661909 (VCV000661909.7), dbSNP rs145265651, ClinGen allele CA9215280.
Genomic context (GRCh38, chr19:11,575,017, plus strand): 5'-CCCACCCACCCAACAGTGGAGATCGGGCCTCAGAGCTGGGCAGTCATGGGAGTTCAGGGC[C>T]TGGCTCGCCTCGGCAGCCTGGTCTTAAAGAGGGACTTGCCCGAGGCCTCGATGTAAGTGA-3'
Protein context (NP_001602.1, residues 314-325): LFKTRLPRRA[Arg324Lys]P

ClinVar aggregate classification (germline): Uncertain significance (1 of 4 stars; one submission).

Conditions:
Spondyloenchondrodysplasia with immune dysregulation (SPENCDI). Also called: ROIFMAN IMMUNOSKELETAL SYNDROME; COMBINED IMMUNODEFICIENCY WITH AUTOIMMUNITY AND SPONDYLOMETAPHYSEAL DYSPLASIA; SPONDYLOENCHONDRODYSPLASIA WITH OR WITHOUT IMMUNE DYSREGULATION. Identifiers: Orphanet 1855, MedGen C1842763, MONDO:0011939, OMIM 607944.

Allele frequency attached by ClinVar (database versions not stated): gnomAD 0.00010 and 0.00011; TOPMed 0.00014; ESP Exome Variant Server 0.00031.
gnomAD v4.1: 31 of 1,614,066 alleles (0.0019%); highest among the groups gnomAD compares: African/African-American, 0.035%; no homozygotes.

Submission:

Labcorp Genetics (formerly Invitae), Labcorp
Classification: Uncertain significance for Spondyloenchondrodysplasia with immune dysregulation. Last evaluated: 2024-09-16. Review status: criteria provided, single submitter. Criteria: Invitae Variant Classification Sherloc (09022015). Collection method: clinical testing. Allele origin: germline.
Comment: This sequence change replaces arginine, which is basic and polar, with lysine, which is basic and polar, at codon 324 of the ACP5 protein (p.Arg324Lys). This variant is present in population databases (rs145265651, gnomAD 0.03%). This variant has not been reported in the literature in individuals affected with ACP5-related conditions. ClinVar contains an entry for this variant (Variation ID: 661909). An algorithm developed to predict the effect of missense changes on protein structure and function outputs the following: PolyPhen-2: "Benign". The lysine amino acid residue is found in multiple mammalian species, which suggests that this missense change does not adversely affect protein function. In summary, the available evidence is currently insufficient to determine the role of this variant in disease. Therefore, it has been classified as a Variant of Uncertain Significance.